The following is an entry in ClinVar:

NM_018089.3(ANKZF1):c.1697_1719del (p.Ser566fs)

Gene: ANKZF1 (ankyrin repeat and zinc finger peptidyl tRNA hydrolase 1; plus strand). Cytogenetic location: 2q35.
Variant type: Deletion.
Coding change: c.1697_1719del on transcript NM_018089.3 (MANE Select); coding-DNA positions 1697 to 1719, 23 bases deleted (CTCGGGCCCGGCCACCTTATACT).
Protein change: p.Ser566fs; shifts the reading frame from serine 566.
Molecular consequence: frameshift variant.
Genome position (GRCh38, 1-based): chr2:219,235,479-219,235,501, CTCGGGCCCGGCCACCTTATACT deleted; deleting any 23 consecutive bases within chr2:219,235,476-219,235,501 gives the same sequence; the c. name uses the placement nearest the transcript's 3' end. VCF-style (leftmost placement, unchanged base first): chr2-219235475-GACTCTCGGGCCCGGCCACCTTAT-G. GRCh37 (hg19) VCF-style: chr2-220100197-GACTCTCGGGCCCGGCCACCTTAT-G.
Other names: c.1697_1719del, p.Ser566fs (NM_001042410.2); c.1067_1089del, p.Ser356fs (NM_001282792.2); c.1697_1719del23 (NM_018089.2); short protein forms S356fs, S566fs.
Identifiers: ClinVar variation 1981225 (VCV001981225.6), dbSNP rs1304850018, ClinGen allele CA764940219.

ClinVar aggregate classification (germline): Uncertain significance. Review status: criteria provided, single submitter (1 of 4 stars). 2 submissions from 2 submitters: Uncertain significance (1). 1 of the submissions does not count toward it. Last evaluated 2025-03-19.

Conditions:
ANKZF1-related disorder. Also called: ANKZF1-related condition.

Submissions (2):

Labcorp Genetics (formerly Invitae), Labcorp
Classification: Uncertain significance. Last evaluated: 2025-03-19. Review status: criteria provided, single submitter. Criteria: Invitae Variant Classification Sherloc (09022015). Collection method: clinical testing. Allele origin: germline.
Comment: This sequence change creates a premature translational stop signal (p.Ser566Cysfs*4) in the ANKZF1 gene. It is expected to result in an absent or disrupted protein product. However, the current clinical and genetic evidence is not sufficient to establish whether loss-of-function variants in ANKZF1 cause disease. This variant is not present in population databases (gnomAD no frequency). This variant has not been reported in the literature in individuals affected with ANKZF1-related conditions. ClinVar contains an entry for this variant (Variation ID: 1981225). In summary, the available evidence is currently insufficient to determine the role of this variant in disease. Therefore, it has been classified as a Variant of Uncertain Significance.

PreventionGenetics, part of Exact Sciences
Classification: Uncertain significance for ANKZF1-related condition. Last evaluated: 2023-10-18. Review status: no assertion criteria provided. Collection method: clinical testing. Allele origin: germline. Not counted in ClinVar's aggregate classification.
Comment: The ANKZF1 c.1697_1719del23 variant is predicted to result in a frameshift and premature protein termination (p.Ser566Cysfs*4). To our knowledge, this variant has not been reported in the literature or in a large population database, indicating this variant is rare. Loss of function variants in ANKZF1 are not an established mechanism of disease. At this time, the clinical significance of this variant is uncertain due to the absence of conclusive functional and genetic evidence.